The following is an entry in ClinVar:

ClinVar aggregate classification (germline): Uncertain significance (1 of 4 stars; one submission).

Conditions:
Mitochondrial complex II deficiency, nuclear type 1. Also called: SUCCINATE CoQ REDUCTASE DEFICIENCY. Identifiers: Orphanet 3208, MedGen C5700310, MONDO:0100294, OMIM 252011.
Pheochromocytoma/paraganglioma syndrome 5. Also called: Paragangliomas 5; SDHA-Related Hereditary Paraganglioma-Pheochromocytoma Syndrome. Identifiers: Orphanet 29072, MedGen C3279992, MONDO:0013602, OMIM 614165.

Submission:

Labcorp Genetics (formerly Invitae), Labcorp
Classification: Uncertain significance for Pheochromocytoma/paraganglioma syndrome 5; Mitochondrial complex II deficiency, nuclear type 1. Last evaluated: 2024-01-11. Review status: criteria provided, single submitter. Criteria: Invitae Variant Classification Sherloc (09022015). Collection method: clinical testing. Allele origin: germline.
Comment: This sequence change replaces valine, which is neutral and non-polar, with leucine, which is neutral and non-polar, at codon 65 of the SDHA protein (p.Val65Leu). This variant is not present in population databases (gnomAD no frequency). This variant has not been reported in the literature in individuals affected with SDHA-related conditions. Advanced modeling of protein sequence and biophysical properties (such as structural, functional, and spatial information, amino acid conservation, physicochemical variation, residue mobility, and thermodynamic stability) performed at Invitae indicates that this missense variant is not expected to disrupt SDHA protein function with a negative predictive value of 95%. In summary, the available evidence is currently insufficient to determine the role of this variant in disease. Therefore, it has been classified as a Variant of Uncertain Significance.

NM_004168.4(SDHA):c.193G>T (p.Val65Leu)

Gene: SDHA (succinate dehydrogenase complex flavoprotein subunit A; plus strand). Cytogenetic location: 5p15.33.
Variant type: single nucleotide variant.
Coding change: c.193G>T on transcript NM_004168.4 (MANE Select); coding-DNA position 193, G replaced by T.
Protein change: p.Val65Leu; replaces valine 65 with leucine.
Molecular consequence: missense variant.
Genome position (GRCh38, 1-based): chr5:224,402, G>T. VCF-style: chr5-224402-G-T. GRCh37 (hg19) VCF-style: chr5-224517-G-T.
Other names: c.193G>T, p.Val65Leu (NM_001294332.2, NM_001330758.2); short protein forms V65L.
Identifiers: ClinVar variation 2942252 (VCV002942252.3), dbSNP rs2126542536, ClinGen allele CA359008462.